The following is an entry in ClinVar:

NM_017780.4(CHD7):c.5893A>C (p.Lys1965Gln)

Gene: CHD7 (chromodomain helicase DNA binding protein 7; plus strand). Cytogenetic location: 8q12.2.
Variant type: single nucleotide variant.
Coding change: c.5893A>C on transcript NM_017780.4 (MANE Select); coding-DNA position 5893, A replaced by C.
Protein change: p.Lys1965Gln; replaces lysine 1965 with glutamine.
Molecular consequence: missense variant. On other transcripts: intron variant (1).
Genome position (GRCh38, 1-based): chr8:60,852,246, A>C. VCF-style: chr8-60852246-A-C. GRCh37 (hg19) VCF-style: chr8-61764805-A-C.
Other names: c.1717-9983A>C (NM_001316690.1); short protein forms K1965Q.
Identifiers: ClinVar variation 1805874 (VCV001805874.3), dbSNP rs2488032099, ClinGen allele CA371323506.

ClinVar aggregate classification (germline): Uncertain significance. Review status: criteria provided, multiple submitters, no conflicts (2 of 4 stars). 2 submissions from 2 submitters: Uncertain significance (2). Last evaluated 2023-06-12.

Conditions:
CHARGE syndrome (CHARGE). Also called: Hittner Hirsch Kreh syndrome; CHARGE ASSOCIATION--COLOBOMA, HEART ANOMALY, CHOANAL ATRESIA, RETARDATION, GENITAL AND EAR ANOMALIES; Coloboma, heart anomaly, choanal atresia, retardation, genital and ear anomalies; CHARGE association; Hall-Hittner syndrome. Identifiers: Orphanet 138, MedGen C0265354, MONDO:0008965.

gnomAD v4.1: 1 of 1,611,506 alleles (0.000062%); no homozygotes.

Submissions (2):

Revvity Omics, Revvity
Classification: Uncertain significance. Last evaluated: 2023-06-12. Review status: criteria provided, single submitter. Criteria: ACMG Guidelines, 2015. Collection method: clinical testing. Allele origin: germline.

Victorian Clinical Genetics Services, Murdoch Childrens Research Institute
Classification: Uncertain significance for CHARGE syndrome. Last evaluated: 2021-05-06. Review status: criteria provided, single submitter. Criteria: ACMG Guidelines, 2015. Collection method: clinical testing. Allele origin: germline. Inheritance: Autosomal dominant inheritance.
Comment: Based on the classification scheme VCGS_Germline_v1.3.4, this variant is classified as VUS-3B. Following criteria are met: 0102 - Loss of function is a known mechanism of disease in this gene and is associated with CHARGE syndrome (MIM#214800) and hypogonadotropic hypogonadism 5 with or without anosmia (MIM#612370). (I) 0107 - This gene is associated with autosomal dominant disease. (I) 0200 - Variant is predicted to result in a missense amino acid change from lysine to glutamine. (I) 0251 - This variant is heterozygous. (I) 0301 - Variant is absent from gnomAD (both v2 and v3). (SP) 0502 - Missense variant with conflicting in silico predictions and uninformative conservation. (I) 0604 - Variant is not located in an established domain, motif, hotspot or informative constraint region. (I) 0705 - No comparable missense variants have previous evidence for pathogenicity. (I) 0807 - This variant has no previous evidence of pathogenicity. (I) 0905 - No published segregation evidence has been identified for this variant. (I) 1007 - No published functional evidence has been identified for this variant. (I) 1208 - Inheritance information for this variant is not currently available in this individual. (I) Legend: (SP) - Supporting pathogenic, (I) - Information, (SB) - Supporting benign